The following is an entry in ClinVar:

NM_016592.5(GNAS):c.*42+10000C>T

Genes: GNAS (GNAS complex locus; plus strand), GNAS-AS1 (GNAS antisense RNA 1; minus strand). Cytogenetic location: 20q13.32.
Variant type: single nucleotide variant.
Coding change: c.*42+10000C>T on transcript NM_016592.5 (MANE Plus Clinical); 10000 bases into the intron after 42 bases downstream of the stop codon, C replaced by T.
Molecular consequence: intron variant. On other transcripts: non-coding transcript variant (7).
Genome position (GRCh38, 1-based): chr20:58,850,886, C>T. VCF-style: chr20-58850886-C-T. GRCh37 (hg19) VCF-style: chr20-57425941-C-T.
Other names: c.43+10000C>T (NM_001410912.1); c.-39+9011C>T (NM_001309861.2).
Identifiers: ClinVar variation 2652437 (VCV002652437.22), dbSNP rs577465140, ClinGen allele CA316338129.

ClinVar aggregate classification (germline): Benign (1 of 4 stars; one submission).

Allele frequency attached by ClinVar (database versions not stated): TOPMed 0.00002; 1000 Genomes Project 0.00060; gnomAD exomes 0.00008; 1000 Genomes Project 30x 0.00094.
gnomAD v4.1: 43 of 398,782 alleles (0.011%); highest among the groups gnomAD compares: South Asian, 0.37%; 1 homozygote.

Submission:

CeGaT Center for Human Genetics Tuebingen
Classification: Benign. Last evaluated: 2022-08-01. Review status: criteria provided, single submitter. Criteria: CeGaT Center For Human Genetics Tuebingen Variant Classification Criteria Version 2. Collection method: clinical testing. Allele origin: germline. Affected: yes. Observed: 1 variant allele.
Comment: GNAS: BS1, BS2